The following is an entry in ClinVar:

NM_198578.4(LRRK2):c.1870G>A (p.Gly624Arg)

Gene: LRRK2 (leucine rich repeat kinase 2; plus strand). Cytogenetic location: 12q12.
Variant type: single nucleotide variant.
Coding change: c.1870G>A on transcript NM_198578.4 (MANE Select); coding-DNA position 1870, G replaced by A.
Protein change: p.Gly624Arg; replaces glycine 624 with arginine.
Molecular consequence: missense variant.
Genome position (GRCh38, 1-based): chr12:40,274,922, G>A. VCF-style: chr12-40274922-G-A. GRCh37 (hg19) VCF-style: chr12-40668724-G-A.
Other names: short protein forms G624R.
Identifiers: ClinVar variation 1965080 (VCV001965080.5), dbSNP rs752380619, ClinGen allele CA6513480.

ClinVar aggregate classification (germline): Uncertain significance (1 of 4 stars; one submission).

Conditions:
Autosomal dominant Parkinson disease 8. Also called: Parkinson disease 8, susceptibility to; LRRK2-Related Parkinson Disease; Parkinson disease 8. Identifiers: Orphanet 411602, MedGen C1846862, MONDO:0011764, OMIM 607060.

Allele frequency attached by ClinVar (database versions not stated): gnomAD exomes 0.00002; gnomAD 0.00001; TOPMed 0.00002; ExAC 0.00003.
gnomAD v4.1: 17 of 1,613,624 alleles (0.0011%); highest among the groups gnomAD compares: Middle Eastern, 0.016%; no homozygotes.

Submission:

Labcorp Genetics (formerly Invitae), Labcorp
Classification: Uncertain significance for Autosomal dominant Parkinson disease 8. Last evaluated: 2025-07-09. Review status: criteria provided, single submitter. Criteria: Invitae Variant Classification Sherloc (09022015). Collection method: clinical testing. Allele origin: germline.
Comment: This sequence change replaces glycine, which is neutral and non-polar, with arginine, which is basic and polar, at codon 624 of the LRRK2 protein (p.Gly624Arg). This variant is present in population databases (rs752380619, gnomAD 0.01%). This variant has not been reported in the literature in individuals affected with LRRK2-related conditions. ClinVar contains an entry for this variant (Variation ID: 1965080). Invitae Evidence Modeling of protein sequence and biophysical properties (such as structural, functional, and spatial information, amino acid conservation, physicochemical variation, residue mobility, and thermodynamic stability) has been performed for this missense variant. However, the output from this modeling did not meet the statistical confidence thresholds required to predict the impact of this variant on LRRK2 protein function. In summary, the available evidence is currently insufficient to determine the role of this variant in disease. Therefore, it has been classified as a Variant of Uncertain Significance.